The following is an entry in ClinVar:

NM_145261.4(DNAJC19):c.250C>T (p.Arg84Ter)

Gene: DNAJC19 (DnaJ heat shock protein family (Hsp40) member C19; minus strand). Cytogenetic location: 3q26.33.
Variant type: single nucleotide variant.
Coding change: c.250C>T on transcript NM_145261.4 (MANE Select); coding-DNA position 250, C replaced by T.
Protein change: p.Arg84Ter; replaces arginine 84 with a stop codon.
Molecular consequence: nonsense. On other transcripts: non-coding transcript variant (4).
Genome position (GRCh38, 1-based): chr3:180,985,956, G>A on the plus strand (C>T on the coding strand, the complement: DNAJC19 is on the minus strand). VCF-style: chr3-180985956-G-A. GRCh37 (hg19) VCF-style: chr3-180703744-G-A.
Other names: c.175C>T, p.Arg59Ter (NM_001190233.2); short protein forms R59*, R84*.
Identifiers: ClinVar variation 2157602 (VCV002157602.6), dbSNP rs764568129, ClinGen allele CA2717080.

ClinVar aggregate classification (germline): Pathogenic/Likely pathogenic. Review status: criteria provided, multiple submitters, no conflicts (2 of 4 stars). 2 submissions from 2 submitters: Pathogenic (1); Likely pathogenic (1). Last evaluated 2024-09-06.

Conditions:
3-methylglutaconic aciduria type 5. Also called: MGA, TYPE V; 3 alpha methylglutaconic aciduria type V; MGA 5; CARDIOMYOPATHY, DILATED, WITH ATAXIA. Identifiers: Orphanet 66634, MedGen C1857776, MONDO:0012435, OMIM 610198.

Allele frequency attached by ClinVar (database versions not stated): TOPMed 0.00001; ExAC 0.00002.
gnomAD v4.1: 9 of 1,613,536 alleles (0.00056%); highest among the groups gnomAD compares: Admixed American, 0.0083%; no homozygotes.

Submissions (2):

Labcorp Genetics (formerly Invitae), Labcorp
Classification: Pathogenic for 3-methylglutaconic aciduria type 5. Last evaluated: 2024-09-06. Review status: criteria provided, single submitter. Criteria: Invitae Variant Classification Sherloc (09022015). Collection method: clinical testing. Allele origin: germline.
Comment: This sequence change creates a premature translational stop signal (p.Arg84*) in the DNAJC19 gene. While this is not anticipated to result in nonsense mediated decay, it is expected to disrupt the last 33 amino acid(s) of the DNAJC19 protein. This variant is present in population databases (rs764568129, gnomAD 0.01%). This variant has not been reported in the literature in individuals affected with DNAJC19-related conditions. ClinVar contains an entry for this variant (Variation ID: 2157602). This variant disrupts a region of the DNAJC19 protein in which other variant(s) (p.Ala101Profs*10) have been determined to be pathogenic (PMID: 22797137). This suggests that this is a clinically significant region of the protein, and that variants that disrupt it are likely to be disease-causing. For these reasons, this variant has been classified as Pathogenic.

Juno Genomics, Hangzhou Juno Genomics, Inc
Classification: Likely pathogenic for 3-methylglutaconic aciduria type 5. Review status: criteria provided, single submitter. Criteria: ACMG Guidelines, 2015. Collection method: clinical testing. Allele origin: germline.
Comment: Absent from controls (or at extremely low frequency if recessive) in Genome Aggregation Database.;Null variant in a gene where loss of function (LOF) is a known mechanism of disease.;For recessive disorders, detected in trans with a pathogenic variant.

Literature cited by the submitters: PubMed 22797137 (cited by Labcorp Genetics (formerly Invitae), Labcorp).